The following is an entry in ClinVar:

NM_020922.5(WNK3):c.4474G>A (p.Glu1492Lys)

Gene: WNK3 (WNK lysine deficient protein kinase 3; minus strand). Cytogenetic location: Xp11.22.
Variant type: single nucleotide variant.
Coding change: c.4474G>A on transcript NM_020922.5 (MANE Select); coding-DNA position 4474, G replaced by A.
Protein change: p.Glu1492Lys; replaces glutamic acid 1492 with lysine.
Molecular consequence: missense variant.
Genome position (GRCh38, 1-based): chrX:54,237,092, C>T on the plus strand (G>A on the coding strand, the complement: WNK3 is on the minus strand). VCF-style: chrX-54237092-C-T. GRCh37 (hg19) VCF-style: chrX-54263525-C-T.
Other names: c.4333G>A, p.Glu1445Lys (NM_001002838.4, NM_001395166.1); short protein forms E1445K, E1492K.
Identifiers: ClinVar variation 3342010 (VCV003342010.16).

ClinVar aggregate classification (germline): Uncertain significance (1 of 4 stars; one submission).

gnomAD v4.1: 1 of 1,211,990 alleles (0.000083%); highest among the groups gnomAD compares: Non-Finnish European, 0.00011%; no homozygotes.

Submission:

CeGaT Center for Human Genetics Tuebingen
Classification: Uncertain significance. Last evaluated: 2024-07-01. Review status: criteria provided, single submitter. Criteria: CeGaT Center For Human Genetics Tuebingen Variant Classification Criteria Version 2. Collection method: clinical testing. Allele origin: germline. Affected: yes. Observed: 1 variant allele.
Comment: WNK3: PM2, BP4